The following is an entry in ClinVar:

ClinVar aggregate classification (germline): Uncertain significance. Review status: criteria provided, multiple submitters, no conflicts (2 of 4 stars). 2 submissions from 2 submitters: Uncertain significance (2). Last evaluated 2022-10-12.

Conditions:
Hereditary cancer-predisposing syndrome. Also called: Hereditary neoplastic syndrome; Neoplastic Syndromes, Hereditary; Hereditary Cancer Syndrome; Tumor predisposition. Identifiers: Orphanet 140162, MedGen C0027672, MeSH D009386, MONDO:0015356.
Familial cancer of breast. Also called: Hereditary breast cancer; BREAST CANCER, FAMILIAL; hereditary breast carcinoma. Identifiers: Orphanet 227535, MedGen C0346153, MONDO:0016419, OMIM 114480. Disease mechanism: loss of function.

Allele frequency attached by ClinVar (database versions not stated): gnomAD exomes below 0.00001.
gnomAD v4.1: 1 of 1,593,064 alleles (0.000063%); highest among the groups gnomAD compares: Non-Finnish European, 0.000086%; no homozygotes.

Submissions (2):

Ambry Genetics
Classification: Uncertain significance for Hereditary cancer-predisposing syndrome. Last evaluated: 2022-10-12. Review status: criteria provided, single submitter. Criteria: Ambry Variant Classification Scheme 2023. Collection method: clinical testing. Allele origin: germline.
Comment: The p.D208Y variant (also known as c.622G>T), located in coding exon 4 of the CHEK2 gene, results from a G to T substitution at nucleotide position 622. The aspartic acid at codon 208 is replaced by tyrosine, an amino acid with highly dissimilar properties. This amino acid position is conserved. In addition, this alteration is predicted to be deleterious by in silico analysis. Since supporting evidence is limited at this time, the clinical significance of this alteration remains unclear.

Labcorp Genetics (formerly Invitae), Labcorp
Classification: Uncertain significance for Familial cancer of breast. Last evaluated: 2019-10-29. Review status: criteria provided, single submitter. Criteria: Invitae Variant Classification Sherloc (09022015). Collection method: clinical testing. Allele origin: germline.
Comment: This sequence change replaces aspartic acid with tyrosine at codon 208 of the CHEK2 protein (p.Asp208Tyr). The aspartic acid residue is highly conserved and there is a large physicochemical difference between aspartic acid and tyrosine. This variant is not present in population databases (ExAC no frequency). This variant has not been reported in the literature in individuals with CHEK2-related conditions. Algorithms developed to predict the effect of missense changes on protein structure and function are either unavailable or do not agree on the potential impact of this missense change (SIFT: "Deleterious"; PolyPhen-2: "Benign"; Align-GVGD: "Class C15"). In summary, the available evidence is currently insufficient to determine the role of this variant in disease. Therefore, it has been classified as a Variant of Uncertain Significance.

NM_007194.4(CHEK2):c.622G>T (p.Asp208Tyr)

Gene: CHEK2 (checkpoint kinase 2; minus strand). Cytogenetic location: 22q12.1.
Variant type: single nucleotide variant.
Coding change: c.622G>T on transcript NM_007194.4 (MANE Select); coding-DNA position 622, G replaced by T.
Protein change: p.Asp208Tyr; replaces aspartic acid 208 with tyrosine.
Molecular consequence: missense variant. On other transcripts: 5 prime UTR variant (2), intron variant (1).
Genome position (GRCh38, 1-based): chr22:28,719,456, C>A on the plus strand (G>T on the coding strand, the complement: CHEK2 is on the minus strand). VCF-style: chr22-28719456-C-A. GRCh37 (hg19) VCF-style: chr22-29115444-C-A.
Other names: c.751G>T, p.Asp251Tyr (NM_001005735.3, NM_001438294.1); c.-42G>T (NM_001257387.3, NM_001437942.1); c.715G>T, p.Asp239Tyr (NM_001438293.1, NM_001438295.1); c.622G>T, p.Asp208Tyr (NM_145862.3); c.482+5430G>T (NM_001349956.3); short protein forms D208Y, D251Y, D239Y.
Identifiers: ClinVar variation 966434 (VCV000966434.13), dbSNP rs2053694409, ClinGen allele CA411105084.
Genomic context (GRCh38, chr22:28,719,456, plus strand): 5'-TTCCAAGAGTTTTTGACATGATGTATTCATCTCTTAATGCCTTAGGATAAACTGACTGAT[C>A]ATCTACAGTCAGATCAAAAAAGACAAAAACTAAGGAAGAAAAGAGTAGAAATGGGTTTCA-3'
Protein context (NP_009125.1, residues 198-218): VFVFFDLTVD[Asp208Tyr]QSVYPKALRD